The following is an entry in ClinVar:

ClinVar aggregate classification (germline): Uncertain significance. Review status: criteria provided, multiple submitters, no conflicts (2 of 4 stars). 2 submissions from 2 submitters: Uncertain significance (2). Last evaluated 2023-07-17.

Conditions:
Inborn genetic diseases. Identifiers: MedGen C0950123, MeSH D030342.
Orofaciodigital syndrome type 6 (OFD6). Also called: OROFACIODIGITAL SYNDROME VI; OFDS VI; POLYDACTYLY, CLEFT LIP/PALATE OR LINGUAL LUMP, AND PSYCHOMOTOR RETARDATION; VARADI SYNDROME; VARADI-PAPP SYNDROME; Oral-facial-digital syndrome type 6. Identifiers: Orphanet 2754, MedGen C2745997, MONDO:0010176, OMIM 277170.

Allele frequency attached by ClinVar (database versions not stated): TOPMed below 0.00001; gnomAD 0.00002; ExAC 0.00003.
gnomAD v4.1: 37 of 1,603,154 alleles (0.0023%); highest among the groups gnomAD compares: South Asian, 0.038%; no homozygotes.

Submissions (2):

Victorian Clinical Genetics Services, Murdoch Childrens Research Institute
Classification: Uncertain significance for Orofaciodigital syndrome type 6. Last evaluated: 2023-07-17. Review status: criteria provided, single submitter. Criteria: ACMG Guidelines, 2015. Collection method: clinical testing. Allele origin: germline. Inheritance: Autosomal recessive inheritance. Affected: yes.
Comment: Based on the classification scheme VCGS_Germline_v1.3.4, this variant is classified as VUS-3B. Following criteria are met: 0102 - Loss of function is a known mechanism of disease in this gene and is associated with Joubert syndrome 17 (MIM#614615) and orofaciodigital syndrome VI (MIM#277170). (I) 0106 - This gene is associated with autosomal recessive disease. (I) 0200 - Variant is predicted to result in a missense amino acid change from serine to cysteine. (I) 0251 - This variant is heterozygous. (I) 0304 - Variant is present in gnomAD (v2) <0.01 for a recessive condition (9 heterozygotes, 0 homozygotes). (SP) 0309 - Multiple alternative amino acid changes at the same position have been observed in gnomAD (v2) (highest allele count: 2 heterozygotes, 0 homozygotes). (I) 0502 - Missense variant with conflicting in silico predictions and uninformative conservation. (I) 0604 - Variant is not located in an established domain, motif, hotspot or informative constraint region. (I) 0705 - No comparable missense variants have previous evidence for pathogenicity. (I) 0807 - This variant has no previous evidence of pathogenicity. However, in two internal VCGS cases this variant has been observed in cis with p.(Leu1386Phe). (I) 0905 - No published segregation evidence has been identified for this variant. (I) 1007 - No published functional evidence has been identified for this variant. (I) 1208 - Inheritance information for this variant is not currently available in this individual. (I) Legend: (SP) - Supporting pathogenic, (I) - Information, (SB) - Supporting benign

Ambry Genetics
Classification: Uncertain significance for Inborn genetic diseases. Last evaluated: 2021-08-12. Review status: criteria provided, single submitter. Criteria: Ambry Variant Classification Scheme 2023. Collection method: clinical testing. Allele origin: germline.

NM_001384732.1(CPLANE1):c.8602A>T (p.Ser2868Cys)

Gene: CPLANE1 (ciliogenesis and planar polarity effector complex subunit 1; minus strand). Cytogenetic location: 5p13.2.
Variant type: single nucleotide variant.
Coding change: c.8602A>T on transcript NM_001384732.1 (MANE Select); coding-DNA position 8602, A replaced by T.
Protein change: p.Ser2868Cys; replaces serine 2868 with cysteine.
Molecular consequence: missense variant.
Genome position (GRCh38, 1-based): chr5:37,142,340, T>A on the plus strand (A>T on the coding strand, the complement: CPLANE1 is on the minus strand). VCF-style: chr5-37142340-T-A. GRCh37 (hg19) VCF-style: chr5-37142442-T-A.
Other names: c.8440A>T, p.Ser2814Cys (NM_023073.4); short protein forms S2814C, S2868C.
Identifiers: ClinVar variation 3076691 (VCV003076691.2), dbSNP rs780136856, ClinGen allele CA3237743.